The following is an entry in ClinVar:

NM_001283009.2(RTEL1):c.2222_2223delinsGT (p.Val741Gly)

Genes: RTEL1 (regulator of telomere elongation helicase 1; plus strand), RTEL1-TNFRSF6B (RTEL1-TNFRSF6B readthrough (NMD candidate); plus strand). Cytogenetic location: 20q13.33.
Variant type: Indel.
Coding change: c.2222_2223delinsGT on transcript NM_001283009.2 (MANE Select); coding-DNA positions 2222 to 2223, TC replaced by GT.
Protein change: p.Val741Gly; replaces valine 741 with glycine.
Molecular consequence: missense variant. On other transcripts: non-coding transcript variant (1).
Genome position (GRCh38, 1-based): chr20:63,690,167-63,690,168, TC replaced by GT. VCF-style: chr20-63690167-TC-GT. GRCh37 (hg19) VCF-style: chr20-62321520-TC-GT.
Other names: c.1553_1554delinsGT, p.Val518Gly (NM_001283010.1); c.2222_2223delinsGT, p.Val741Gly (NM_016434.4); c.2294_2295delinsGT, p.Val765Gly (NM_032957.5); short protein forms V518G, V741G, V765G.
Identifiers: ClinVar variation 2114896 (VCV002114896.4), dbSNP rs2517138927, ClinGen allele CA2580098505.

ClinVar aggregate classification (germline): Uncertain significance (1 of 4 stars; one submission).

Conditions:
Pulmonary fibrosis and/or bone marrow failure, Telomere-related, 3. Also called: PULMONARY FIBROSIS AND/OR BONE MARROW FAILURE SYNDROME, TELOMERE-RELATED, 3. Identifiers: Orphanet 2032, MedGen C4225346, MONDO:0014613, OMIM 616373.
Dyskeratosis congenita, autosomal recessive 5 (DKCB5). Identifiers: MedGen C3554656, MONDO:0014076, OMIM 615190.

Submission:

Labcorp Genetics (formerly Invitae), Labcorp
Classification: Uncertain significance for Dyskeratosis congenita, autosomal recessive 5; Pulmonary fibrosis and/or bone marrow failure, Telomere-related, 3. Last evaluated: 2022-03-20. Review status: criteria provided, single submitter. Criteria: Invitae Variant Classification Sherloc (09022015). Collection method: clinical testing. Allele origin: germline.
Comment: This variant has not been reported in the literature in individuals affected with RTEL1-related conditions. In summary, the available evidence is currently insufficient to determine the role of this variant in disease. Therefore, it has been classified as a Variant of Uncertain Significance. Algorithms developed to predict the effect of missense changes on protein structure and function are either unavailable or do not agree on the potential impact of this missense change (SIFT: "Not Available"; PolyPhen-2: "Benign"; Align-GVGD: "Not Available"). Information on the frequency of this variant in the gnomAD database is not available, as this variant may be reported differently in the database. This sequence change replaces valine, which is neutral and non-polar, with glycine, which is neutral and non-polar, at codon 741 of the RTEL1 protein (p.Val741Gly).